The following is an entry in ClinVar:

ClinVar aggregate classification (germline): Pathogenic (1 of 4 stars; one submission).

Submission:

Labcorp Genetics (formerly Invitae), Labcorp
Classification: Pathogenic. Last evaluated: 2020-11-19. Review status: criteria provided, single submitter. Criteria: Invitae Variant Classification Sherloc (09022015). Collection method: clinical testing. Allele origin: germline.
Comment: This sequence change creates a premature translational stop signal (p.Lys628Ilefs*8) in the PHEX gene. It is expected to result in an absent or disrupted protein product. Loss-of-function variants in PHEX are known to be pathogenic (PMID: 9097956, 9106524, 19219621). This variant is not present in population databases (ExAC no frequency). This variant has not been reported in the literature in individuals with PHEX-related conditions. For these reasons, this variant has been classified as Pathogenic.

Literature cited by the submitters: PubMed 9097956; PubMed 9106524; PubMed 19219621.

NM_000444.6(PHEX):c.1875_1882dup (p.Lys628fs)

Genes: PHEX (phosphate regulating endopeptidase X-linked; plus strand), PTCHD1-AS (PTCHD1 and PHEX antisense RNA; minus strand). Cytogenetic location: Xp22.11.
Variant type: Duplication.
Coding change: c.1875_1882dup on transcript NM_000444.6 (MANE Select); coding-DNA positions 1875 to 1882, 8 bases duplicated (TTATTGGA; older notation c.1875_1882dupTTATTGGA).
Protein change: p.Lys628fs; shifts the reading frame from lysine 628.
Molecular consequence: frameshift variant.
Genome position (GRCh38, 1-based): chrX:22,221,719-22,221,726, TTATTGGA duplicated; duplicating any 8 consecutive bases within chrX:22,221,718-22,221,726 gives the same sequence; the c. name uses the placement nearest the transcript's 3' end. VCF-style (leftmost placement, unchanged base first): chrX-22221717-T-TATTATTGG. GRCh37 (hg19) VCF-style: chrX-22239834-T-TATTATTGG.
Other names: c.1875_1882dup, p.Lys628fs (NM_001282754.2); short protein forms K628fs.
Identifiers: ClinVar variation 1390919 (VCV001390919.6), dbSNP rs2147174618, ClinGen allele CA2573158540.
Genomic context (GRCh38, chrX:22,221,717, plus strand): 5'-ACTGAATCAGAAGAAAAGTTTAAGGAAAAAACAAAATGCATGATTAACCAGTATAGCAAC[T>TATTATTGG]ATTATTGGAAGAAAGCTGGCTTAAATGTGAGTACAACTGTGGCTAAGGGGGGCACCTTGT-3'